The following is an entry in ClinVar:

NM_000814.6(GABRB3):c.1153A>G (p.Ile385Val)

Gene: GABRB3 (gamma-aminobutyric acid type A receptor subunit beta3; minus strand). Cytogenetic location: 15q12.
Variant type: single nucleotide variant.
Coding change: c.1153A>G on transcript NM_000814.6 (MANE Select); coding-DNA position 1153, A replaced by G.
Protein change: p.Ile385Val; replaces isoleucine 385 with valine.
Molecular consequence: missense variant.
Genome position (GRCh38, 1-based): chr15:26,548,062, T>C on the plus strand (A>G on the coding strand, the complement: GABRB3 is on the minus strand). VCF-style: chr15-26548062-T-C. GRCh37 (hg19) VCF-style: chr15-26793209-T-C.
Other names: c.898A>G, p.Ile300Val (NM_001191320.2, NM_001278631.2); c.940A>G, p.Ile314Val (NM_001191321.3); c.1153A>G, p.Ile385Val (NM_021912.5); short protein forms I314V, I385V, I300V.
Identifiers: ClinVar variation 652737 (VCV000652737.9), dbSNP rs1352939866, ClinGen allele CA391459241.

ClinVar aggregate classification (germline): Uncertain significance. Review status: criteria provided, multiple submitters, no conflicts (2 of 4 stars). 2 submissions from 2 submitters: Uncertain significance (2). Last evaluated 2025-03-10.

Conditions:
Epilepsy, childhood absence, susceptibility to, 5. Identifiers: Orphanet 64280, MedGen C2677087, MONDO:0012843, OMIM 612269.
Epilepsy, childhood absence, susceptibility to, 1. Also called: Epilepsy, childhood absence 1. Identifiers: Orphanet 64280, MedGen C1838604, MONDO:0020759, OMIM 600131.

Allele frequency attached by ClinVar (database versions not stated): gnomAD exomes below 0.00001; gnomAD 0.00001; TOPMed 0.00001.
gnomAD v4.1: 5 of 1,614,090 alleles (0.00031%); highest among the groups gnomAD compares: African/African-American, 0.004%; no homozygotes.

Submissions (2):

Labcorp Genetics (formerly Invitae), Labcorp
Classification: Uncertain significance for Epilepsy, childhood absence, susceptibility to, 5; Epilepsy, childhood absence, susceptibility to, 1. Last evaluated: 2025-03-10. Review status: criteria provided, single submitter. Criteria: Invitae Variant Classification Sherloc (09022015). Collection method: clinical testing. Allele origin: germline.
Comment: This sequence change replaces isoleucine, which is neutral and non-polar, with valine, which is neutral and non-polar, at codon 385 of the GABRB3 protein (p.Ile385Val). This variant is present in population databases (no rsID available, gnomAD 0.003%). This variant has not been reported in the literature in individuals affected with GABRB3-related conditions. ClinVar contains an entry for this variant (Variation ID: 652737). Invitae Evidence Modeling of protein sequence and biophysical properties (such as structural, functional, and spatial information, amino acid conservation, physicochemical variation, residue mobility, and thermodynamic stability) indicates that this missense variant is not expected to disrupt GABRB3 protein function with a negative predictive value of 95%. In summary, the available evidence is currently insufficient to determine the role of this variant in disease. Therefore, it has been classified as a Variant of Uncertain Significance.

Women's Health and Genetics/Laboratory Corporation of America, LabCorp
Classification: Uncertain significance. Last evaluated: 2024-09-17. Review status: criteria provided, single submitter. Criteria: LabCorp Variant Classification Summary - May 2015. Collection method: clinical testing. Allele origin: germline.
Comment: Variant summary: GABRB3 c.1153A>G (p.Ile385Val) results in a conservative amino acid change located in the transmembrane domain (IPR006029) of the encoded protein sequence. Five of five in-silico tools predict a benign effect of the variant on protein function. The variant allele was found at a frequency of 4e-06 in 251264 control chromosomes. The available data on variant occurrences in the general population are insufficient to allow any conclusion about variant significance. To our knowledge, no occurrence of c.1153A>G in individuals affected with Developmental And Epileptic Encephalopathy, 43 and no experimental evidence demonstrating its impact on protein function have been reported. ClinVar contains an entry for this variant (Variation ID: 652737). Based on the evidence outlined above, the variant was classified as uncertain significance.